The following is an entry in ClinVar:

NM_000153.4(GALC):c.984G>A (p.Gln328=)

Gene: GALC (galactosylceramidase; minus strand). Cytogenetic location: 14q31.3.
Variant type: single nucleotide variant.
Coding change: c.984G>A on transcript NM_000153.4 (MANE Select); coding-DNA position 984, G replaced by A.
Protein change: p.Gln328=; no amino-acid change (glutamine 328 retained).
Molecular consequence: synonymous variant.
Genome position (GRCh38, 1-based): chr14:87,965,554, C>T on the plus strand (G>A on the coding strand, the complement: GALC is on the minus strand). VCF-style: chr14-87965554-C-T. GRCh37 (hg19) VCF-style: chr14-88431898-C-T.
Other names: c.915G>A, p.Gln305= (NM_001201401.2); c.906G>A, p.Gln302= (NM_001201402.2).
Identifiers: ClinVar variation 92513 (VCV000092513.29), dbSNP rs12888666, ClinGen allele CA145825.

ClinVar aggregate classification (germline): Benign. Review status: criteria provided, multiple submitters, no conflicts (2 of 4 stars). 13 submissions from 13 submitters: Benign (8). 5 of the submissions do not count toward it. Last evaluated 2026-02-04.

Conditions:
Galactosylceramide beta-galactosidase deficiency. Also called: GALACTOCEREBROSIDASE DEFICIENCY; GALC DEFICIENCY; Leukodystrophy, Globoid Cell; Krabbe Disease; GLOBOID CELL LEUKOENCEPHALOPATHY. Identifiers: Orphanet 487, MedGen C0023521, MONDO:0009499, OMIM 245200.

Allele frequency attached by ClinVar (database versions not stated): ESP Exome Variant Server 0.27525; gnomAD 0.29819 and 0.30735; TOPMed 0.31047; 1000 Genomes Project 30x 0.32464; 1000 Genomes Project 0.33107; gnomAD exomes 0.36402 and 0.38968; ExAC 0.38126.
gnomAD v4.1: 578,182 of 1,612,286 alleles (36%); highest among the groups gnomAD compares: East Asian, 61%; 108,594 homozygotes.

Submissions (13):

Labcorp Genetics (formerly Invitae), Labcorp
Classification: Benign for Galactosylceramide beta-galactosidase deficiency. Last evaluated: 2026-02-04. Review status: criteria provided, single submitter. Criteria: Invitae Variant Classification Sherloc (09022015). Collection method: clinical testing. Allele origin: germline.

Blueprint Genetics
Classification: Benign. Last evaluated: 2024-11-27. Review status: criteria provided, single submitter. Criteria: ACMG Guidelines, 2015. Collection method: clinical testing. Allele origin: germline.

Genome-Nilou Lab
Classification: Benign for Galactosylceramide beta-galactosidase deficiency. Last evaluated: 2021-07-01. Review status: criteria provided, single submitter. Criteria: ACMG Guidelines, 2015. Collection method: clinical testing. Allele origin: germline. Affected: no.

Illumina Laboratory Services, Illumina
Classification: Benign for Galactosylceramide beta-galactosidase deficiency. Last evaluated: 2018-01-12. Review status: criteria provided, single submitter. Criteria: ICSL Variant Classification Criteria 13 December 2019. Collection method: clinical testing. Allele origin: germline.
Comment: This variant was observed in the ICSL laboratory as part of a predisposition screen in an ostensibly healthy population. It had not been previously curated by ICSL or reported in the Human Gene Mutation Database (HGMD: prior to June 1st, 2018), and was therefore a candidate for classification through an automated scoring system. Utilizing variant allele frequency, disease prevalence and penetrance estimates, and inheritance mode, an automated score was calculated to assess if this variant is too frequent to cause the disease. Based on the score and internal cut-off values, a variant classified as benign is not then subjected to further curation. The score for this variant resulted in a classification of benign for this disease.

GeneDx
Classification: Benign. Last evaluated: 2015-03-03. Review status: criteria provided, single submitter. Criteria: GeneDx Variant Classification Process June 2021. Collection method: clinical testing. Allele origin: germline. Affected: yes.

Eurofins Ntd Llc (ga)
Classification: Benign. Last evaluated: 2013-04-03. Review status: criteria provided, single submitter. Criteria: EGL Classification Definitions 2015. Collection method: clinical testing. Allele origin: germline. Observed: 62 variant alleles, 49 heterozygotes, 13 homozygotes.

Breakthrough Genomics
Classification: Benign. Review status: criteria provided, single submitter. Criteria: ACMG Guidelines, 2015. Collection method: not provided. Allele origin: germline. Inheritance: Autosomal recessive inheritance. Affected: yes.

PreventionGenetics, part of Exact Sciences
Classification: Benign. Review status: criteria provided, single submitter. Criteria: ACMG Guidelines, 2015. Collection method: clinical testing. Allele origin: germline.

Natera, Inc.
Classification: Benign for Galactosylceramide beta-galactosidase deficiency. Last evaluated: 2019-11-19. Review status: no assertion criteria provided. Collection method: clinical testing. Allele origin: germline. Not counted in ClinVar's aggregate classification.

Mayo Clinic Laboratories, Mayo Clinic
Classification: Benign. Last evaluated: 2015-10-19. Review status: no assertion criteria provided. Collection method: clinical testing. Allele origin: unknown. Not counted in ClinVar's aggregate classification.

Clinical Genetics DNA and cytogenetics Diagnostics Lab, Erasmus MC, Erasmus Medical Center
Classification: Benign. Review status: no assertion criteria provided. Collection method: clinical testing. Allele origin: germline. Affected: yes. Study: VKGL Data-share Consensus. Not counted in ClinVar's aggregate classification.

Clinical Genetics, Academic Medical Center
Classification: Benign. Review status: no assertion criteria provided. Collection method: clinical testing. Allele origin: germline. Affected: yes. Study: VKGL Data-share Consensus. Not counted in ClinVar's aggregate classification.

Diagnostic Laboratory, Department of Genetics, University Medical Center Groningen
Classification: Benign for Galactosylceramide beta-galactosidase deficiency. Review status: no assertion criteria provided. Collection method: clinical testing. Allele origin: germline. Affected: yes. Study: VKGL Data-share Consensus. Not counted in ClinVar's aggregate classification.